The following is an entry in ClinVar:

NM_001001557.4(GDF6):c.931G>A (p.Gly311Arg)

Gene: GDF6 (growth differentiation factor 6; minus strand). Cytogenetic location: 8q22.1.
Variant type: single nucleotide variant.
Coding change: c.931G>A on transcript NM_001001557.4 (MANE Select); coding-DNA position 931, G replaced by A.
Protein change: p.Gly311Arg; replaces glycine 311 with arginine.
Molecular consequence: missense variant.
Genome position (GRCh38, 1-based): chr8:96,145,000, C>T on the plus strand (G>A on the coding strand, the complement: GDF6 is on the minus strand). VCF-style: chr8-96145000-C-T. GRCh37 (hg19) VCF-style: chr8-97157228-C-T.
Other names: short protein forms G311R.
Identifiers: ClinVar variation 1445433 (VCV001445433.8), dbSNP rs1812447441, ClinGen allele CA371751499.
Genomic context (GRCh38, chr8:96,145,000, plus strand): 5'-GGCCGGGCGAGGGCAGCCAAGGCCTGGCATCCGGGGCGCCCGACGGCGGCGGCCACGACC[C>T]CTCGGCGCCCGCGCCCGGGCCCGCAGCCTCGGCCGAGCCCAGCTGCTCGCGCATCTCTGC-3'
Protein context (NP_001001557.1, residues 301-321): EAAGPGAGAE[Gly311Arg]SWPPPSGAPD

ClinVar aggregate classification (germline): Uncertain significance (1 of 4 stars; one submission).

Conditions:
Leber congenital amaurosis 17 (LCA17). Identifiers: Orphanet 65, MedGen C3715164, MONDO:0014145, OMIM 615360.
Microphthalmia, isolated, with coloboma 6 (MCOPCB6). Also called: MICROPHTHALMIA/COLOBOMA 6; Microphthalmia with coloboma 6, digenic; Microphthalmia with coloboma 6. Identifiers: Orphanet 98938, MedGen C3150968, MONDO:0013376, OMIM 613703.
Klippel-Feil syndrome 1, autosomal dominant (KFS1). Also called: CERVICAL VERTEBRAL FUSION, AUTOSOMAL DOMINANT. Identifiers: Orphanet 2345, MedGen C1861689, MONDO:0007306, OMIM 118100.
Isolated microphthalmia 4. Identifiers: Orphanet 2542, MedGen C2751307, MONDO:0013130, OMIM 613094.

Submission:

Labcorp Genetics (formerly Invitae), Labcorp
Classification: Uncertain significance for Isolated microphthalmia 4; Leber congenital amaurosis 17; Klippel-Feil syndrome 1, autosomal dominant; Microphthalmia, isolated, with coloboma 6. Last evaluated: 2021-03-07. Review status: criteria provided, single submitter. Criteria: Invitae Variant Classification Sherloc (09022015). Collection method: clinical testing. Allele origin: germline.
Comment: In summary, the available evidence is currently insufficient to determine the role of this variant in disease. Therefore, it has been classified as a Variant of Uncertain Significance. Algorithms developed to predict the effect of missense changes on protein structure and function are either unavailable or do not agree on the potential impact of this missense change (SIFT: "Deleterious"; PolyPhen-2: "Benign"; Align-GVGD: "Class C0"). This variant has not been reported in the literature in individuals with GDF6-related conditions. The frequency data for this variant in the population databases is considered unreliable, as metrics indicate insufficient coverage at this position in the ExAC database. This sequence change replaces glycine with arginine at codon 311 of the GDF6 protein (p.Gly311Arg). The glycine residue is moderately conserved and there is a moderate physicochemical difference between glycine and arginine.